The following is an entry in ClinVar:

NM_001844.5(COL2A1):c.2355+4del

Gene: COL2A1 (collagen type II alpha 1 chain; minus strand). Cytogenetic location: 12q13.11.
Variant type: Deletion.
Coding change: c.2355+4del on transcript NM_001844.5 (MANE Select); 4 bases into the intron after coding-DNA position 2355, one base deleted (A; older notation c.2355+4delA).
Molecular consequence: intron variant.
Genome position (GRCh38, 1-based): chr12:47,982,103, T deleted on the plus strand (A on the coding strand, the reverse complement: COL2A1 is on the minus strand); the first of 2 consecutive T bases (chr12:47,982,103-47,982,104); deleting either gives the same sequence. VCF-style (leftmost placement, unchanged base first): chr12-47982102-CT-C. GRCh37 (hg19) VCF-style: chr12-48375885-CT-C.
Other names: c.2148+4del (NM_033150.3).
Identifiers: ClinVar variation 2024799 (VCV002024799.4), dbSNP rs2540131865, ClinGen allele CA2580085576.

ClinVar aggregate classification (germline): Uncertain significance (1 of 4 stars; one submission).

Submission:

Labcorp Genetics (formerly Invitae), Labcorp
Classification: Uncertain significance. Last evaluated: 2022-08-23. Review status: criteria provided, single submitter. Criteria: Invitae Variant Classification Sherloc (09022015). Collection method: clinical testing. Allele origin: germline.
Comment: In summary, the available evidence is currently insufficient to determine the role of this variant in disease. Therefore, it has been classified as a Variant of Uncertain Significance. This variant is not present in population databases (gnomAD no frequency). This sequence change falls in intron 35 of the COL2A1 gene. It does not directly change the encoded amino acid sequence of the COL2A1 protein. It affects a nucleotide within the consensus splice site. Variants that disrupt the consensus splice site are a relatively common cause of aberrant splicing (PMID: 17576681, 9536098). Algorithms developed to predict the effect of sequence changes on RNA splicing suggest that this variant may disrupt the consensus splice site. This variant has been observed in individual(s) with Stickler syndrome (Invitae).

Literature cited by the submitters: PubMed 17576681; PubMed 9536098.